The following is an entry in ClinVar:

NM_001308093.3(GATA4):c.1273C>G (p.Gln425Glu)

Gene: GATA4 (GATA binding protein 4). Cytogenetic location: 8p23.1.
Variant type: single nucleotide variant.
Coding change: c.1273C>G on transcript NM_001308093.3 (MANE Select); coding-DNA position 1273, C replaced by G.
Protein change: p.Gln425Glu; replaces glutamine 425 with glutamic acid.
Molecular consequence: missense variant.
Genome position (GRCh38, 1-based): chr8:11,758,416, C>G. VCF-style: chr8-11758416-C-G. GRCh37 (hg19) VCF-style: chr8-11615925-C-G.
Other names: c.652C>G, p.Gln218Glu (NM_001308094.2, NM_001374273.1); c.526C>G, p.Gln176Glu (NM_001374274.1); c.1270C>G, p.Gln424Glu (NM_002052.5); short protein forms Q176E, Q218E, Q424E, Q425E.
Identifiers: ClinVar variation 3629197 (VCV003629197.2).
Genomic context (GRCh38, chr8:11,758,416, plus strand): 5'-AAGCTCTCCCCACAAGGCTATGCGTCTCCCGTCAGCCAGTCTCCACAGACCAGCTCCAAG[C>G]AGGACTCTTGGAACAGCCTGGTCTTGGCCGACAGTCACGGGGACATAATCACTGCGTAAT-3'
Protein context (NP_001295022.1, residues 415-435): VSQSPQTSSK[Gln425Glu]DSWNSLVLAD

ClinVar aggregate classification (germline): Uncertain significance (1 of 4 stars; one submission).

Conditions:
Atrioventricular septal defect 4 (AVSD4). Identifiers: MedGen C3280781, MONDO:0013747, OMIM 614430.

Submission:

Labcorp Genetics (formerly Invitae), Labcorp
Classification: Uncertain significance for Atrioventricular septal defect 4. Last evaluated: 2024-11-24. Review status: criteria provided, single submitter. Criteria: Invitae Variant Classification Sherloc (09022015). Collection method: clinical testing. Allele origin: germline.
Comment: This sequence change replaces glutamine, which is neutral and polar, with glutamic acid, which is acidic and polar, at codon 424 of the GATA4 protein (p.Gln424Glu). This variant is not present in population databases (gnomAD no frequency). This variant has not been reported in the literature in individuals affected with GATA4-related conditions. Invitae Evidence Modeling of protein sequence and biophysical properties (such as structural, functional, and spatial information, amino acid conservation, physicochemical variation, residue mobility, and thermodynamic stability) has been performed for this missense variant. However, the output from this modeling did not meet the statistical confidence thresholds required to predict the impact of this variant on GATA4 protein function. In summary, the available evidence is currently insufficient to determine the role of this variant in disease. Therefore, it has been classified as a Variant of Uncertain Significance.